The following is an entry in ClinVar:

NM_001197104.2(KMT2A):c.9039T>A (p.Gly3013=)

Gene: KMT2A (lysine methyltransferase 2A; plus strand). Cytogenetic location: 11q23.3.
Variant type: single nucleotide variant.
Coding change: c.9039T>A on transcript NM_001197104.2 (MANE Select); coding-DNA position 9039, T replaced by A.
Protein change: p.Gly3013=; no amino-acid change (glycine 3013 retained).
Molecular consequence: synonymous variant.
Genome position (GRCh38, 1-based): chr11:118,504,931, T>A. VCF-style: chr11-118504931-T-A. GRCh37 (hg19) VCF-style: chr11-118375646-T-A.
Other names: c.9030T>A, p.Gly3010= (NM_005933.4).
Identifiers: ClinVar variation 715026 (VCV000715026.37), dbSNP rs142875797, ClinGen allele CA6304548.

ClinVar aggregate classification (germline): Benign/Likely benign. Review status: criteria provided, multiple submitters, no conflicts (2 of 4 stars). 6 submissions from 6 submitters: Benign (3); Likely benign (2). 1 of the submissions does not count toward it. Last evaluated 2026-01-28.

Conditions:
KMT2A-related disorder. Also called: KMT2A-related condition.
Wiedemann-Steiner syndrome (WDSTS). Also called: Growth deficiency and mental retardation with facial dysmorphism. Identifiers: Orphanet 319182, MedGen C1854630, MONDO:0011518, OMIM 605130.

Allele frequency attached by ClinVar (database versions not stated): gnomAD exomes 0.00047; ExAC 0.00072; gnomAD 0.00171 and 0.00175; ESP Exome Variant Server 0.00192; TOPMed 0.00193; 1000 Genomes Project 0.00399; 1000 Genomes Project 30x 0.00422.
gnomAD v4.1: 551 of 1,614,200 alleles (0.034%); highest among the groups gnomAD compares: African/African-American, 0.62%; 4 homozygotes.

Submissions (6):

Labcorp Genetics (formerly Invitae), Labcorp
Classification: Benign. Last evaluated: 2026-01-28. Review status: criteria provided, single submitter. Criteria: Invitae Variant Classification Sherloc (09022015). Collection method: clinical testing. Allele origin: germline.

CeGaT Center for Human Genetics Tuebingen
Classification: Benign. Last evaluated: 2024-08-01. Review status: criteria provided, single submitter. Criteria: CeGaT Center For Human Genetics Tuebingen Variant Classification Criteria Version 2. Collection method: clinical testing. Allele origin: germline. Affected: yes. Observed: 4 variant alleles.
Comment: KMT2A: BP4, BP7, BS1, BS2

Blueprint Genetics
Classification: Likely benign. Last evaluated: 2024-07-30. Review status: criteria provided, single submitter. Criteria: ACMG Guidelines, 2015. Collection method: clinical testing. Allele origin: germline.

Fulgent Genetics
Classification: Likely benign for Wiedemann-Steiner syndrome. Last evaluated: 2021-09-13. Review status: criteria provided, single submitter. Criteria: ACMG Guidelines, 2015. Collection method: clinical testing. Allele origin: unknown.

GeneDx
Classification: Benign. Last evaluated: 2019-12-23. Review status: criteria provided, single submitter. Criteria: GeneDx Variant Classification Process June 2021. Collection method: clinical testing. Allele origin: germline. Affected: yes.

PreventionGenetics, part of Exact Sciences
Classification: Likely benign for KMT2A-related condition. Last evaluated: 2020-02-18. Review status: no assertion criteria provided. Collection method: clinical testing. Allele origin: germline. Not counted in ClinVar's aggregate classification.
Comment: This variant is classified as likely benign based on ACMG/AMP sequence variant interpretation guidelines (Richards et al. 2015 PMID: 25741868, with internal and published modifications).